The following is an entry in ClinVar:

ClinVar aggregate classification (germline): Uncertain significance (1 of 4 stars; one submission).

Conditions:
Dilated cardiomyopathy 1O (CMD1O). Also called: CARDIOMYOPATHY, DILATED, WITH VENTRICULAR TACHYCARDIA. Identifiers: Orphanet 154, MedGen C1837839, MONDO:0012062, OMIM 608569.

Allele frequency attached by ClinVar (database versions not stated): TOPMed below 0.00001; gnomAD 0.00001; gnomAD exomes 0.00001.
gnomAD v4.1: 12 of 1,613,122 alleles (0.00074%); highest among the groups gnomAD compares: African/African-American, 0.0013%; no homozygotes.

Submission:

Labcorp Genetics (formerly Invitae), Labcorp
Classification: Uncertain significance for Dilated cardiomyopathy 1O. Last evaluated: 2022-11-16. Review status: criteria provided, single submitter. Criteria: Invitae Variant Classification Sherloc (09022015). Collection method: clinical testing. Allele origin: germline.
Comment: This variant has not been reported in the literature in individuals affected with ABCC9-related conditions. In summary, the available evidence is currently insufficient to determine the role of this variant in disease. Therefore, it has been classified as a Variant of Uncertain Significance. Advanced modeling of protein sequence and biophysical properties (such as structural, functional, and spatial information, amino acid conservation, physicochemical variation, residue mobility, and thermodynamic stability) performed at Invitae indicates that this missense variant is not expected to disrupt ABCC9 protein function. This variant is not present in population databases (gnomAD no frequency). This sequence change replaces lysine, which is basic and polar, with glutamic acid, which is acidic and polar, at codon 1029 of the ABCC9 protein (p.Lys1029Glu).

NM_020297.4(ABCC9):c.3085A>G (p.Lys1029Glu)

Gene: ABCC9 (ATP binding cassette subfamily C member 9; minus strand). Cytogenetic location: 12p12.1.
Variant type: single nucleotide variant.
Coding change: c.3085A>G on transcript NM_020297.4 (MANE Select); coding-DNA position 3085, A replaced by G.
Protein change: p.Lys1029Glu; replaces lysine 1029 with glutamic acid.
Molecular consequence: missense variant.
Genome position (GRCh38, 1-based): chr12:21,845,614, T>C on the plus strand (A>G on the coding strand, the complement: ABCC9 is on the minus strand). VCF-style: chr12-21845614-T-C. GRCh37 (hg19) VCF-style: chr12-21998548-T-C.
Other names: c.2218A>G, p.Lys740Glu (NM_001377274.1); c.3085A>G, p.Lys1029Glu (NM_005691.4, NM_001377273.1); short protein forms K1029E, K740E.
Identifiers: ClinVar variation 2907264 (VCV002907264.3), dbSNP rs892899886, ClinGen allele CA233595069.